The following is an entry in ClinVar:

NM_005751.5(AKAP9):c.5369T>G (p.Val1790Gly)

Gene: AKAP9 (A-kinase anchoring protein 9; plus strand). Cytogenetic location: 7q21.2.
Variant type: single nucleotide variant.
Coding change: c.5369T>G on transcript NM_005751.5 (MANE Select); coding-DNA position 5369, T replaced by G.
Protein change: p.Val1790Gly; replaces valine 1790 with glycine.
Molecular consequence: missense variant.
Genome position (GRCh38, 1-based): chr7:92,052,726, T>G. VCF-style: chr7-92052726-T-G. GRCh37 (hg19) VCF-style: chr7-91682040-T-G.
Other names: p.V1790G:GTT>GGT; c.5369T>G, p.Val1790Gly (NM_147185.3); short protein forms V1790G.
Identifiers: ClinVar variation 180263 (VCV000180263.58), dbSNP rs151021935, ClinGen allele CA235640.

ClinVar aggregate classification (germline): Benign/Likely benign. Review status: criteria provided, multiple submitters, no conflicts (2 of 4 stars). 10 submissions from 10 submitters: Benign (2); Likely benign (7). 1 of the submissions does not count toward it. Last evaluated 2026-01-14.

Conditions:
Cardiovascular phenotype. Identifiers: MedGen CN230736.
AKAP9-related disorder. Also called: AKAP9-related condition.
Long QT syndrome (LQTS). Identifiers: MedGen C0023976, MeSH D008133, MONDO:0002442. Disease mechanism: loss of function. Inheritance: Various modes of inheritance.
Long QT syndrome 11 (LQT11). Identifiers: Orphanet 101016, Orphanet 768, MedGen C2678483, MONDO:0012738, OMIM 611820.

Allele frequency attached by ClinVar (database versions not stated): gnomAD exomes 0.00069 and 0.00092; ESP Exome Variant Server 0.00077; 1000 Genomes Project 30x 0.00078; 1000 Genomes Project 0.00080; gnomAD 0.00082 and 0.00092; TOPMed 0.00107; ExAC 0.00094.
gnomAD v4.1: 1,188 of 1,600,608 alleles (0.074%); highest among the groups gnomAD compares: Middle Eastern, 2.8%; 19 homozygotes.

Submissions (10):

Labcorp Genetics (formerly Invitae), Labcorp
Classification: Likely benign for Long QT syndrome. Last evaluated: 2026-01-14. Review status: criteria provided, single submitter. Criteria: Invitae Variant Classification Sherloc (09022015). Collection method: clinical testing. Allele origin: germline.

CeGaT Center for Human Genetics Tuebingen
Classification: Benign. Last evaluated: 2025-05-01. Review status: criteria provided, single submitter. Criteria: CeGaT Center For Human Genetics Tuebingen Variant Classification Criteria Version 2. Collection method: clinical testing. Allele origin: germline. Affected: yes. Observed: 4 variant alleles.
Comment: AKAP9: BP4, BS1, BS2

Blueprint Genetics
Classification: Likely benign. Last evaluated: 2024-11-18. Review status: criteria provided, single submitter. Criteria: ACMG Guidelines, 2015. Collection method: clinical testing. Allele origin: germline.

Dept of Medical Biology, Uskudar University
Classification: Likely benign for Long QT syndrome. Last evaluated: 2024-01-08. Review status: criteria provided, single submitter. Criteria: Dept of Medical Biology Variant Classification. Collection method: research. Allele origin: maternal. Affected: yes. Observed: 2 variant alleles.
Comment: Criteria: BS1, BP4

ARUP Laboratories, Molecular Genetics and Genomics, ARUP Laboratories
Classification: Likely benign for Long QT syndrome 11. Last evaluated: 2020-03-03. Review status: criteria provided, single submitter. Criteria: ARUP Molecular Germline Variant Investigation Process. Collection method: clinical testing. Allele origin: germline.

Ambry Genetics
Classification: Benign for Cardiovascular phenotype. Last evaluated: 2018-07-11. Review status: criteria provided, single submitter. Criteria: Ambry Variant Classification Scheme 2023. Collection method: clinical testing. Allele origin: germline.

GeneDx
Classification: Likely benign. Last evaluated: 2016-10-17. Review status: criteria provided, single submitter. Criteria: GeneDx Variant Classification (06012015). Collection method: clinical testing. Allele origin: germline. Affected: yes.
Comment: This variant is considered likely benign or benign based on one or more of the following criteria: it is a conservative change, it occurs at a poorly conserved position in the protein, it is predicted to be benign by multiple in silico algorithms, and/or has population frequency not consistent with disease.

Biesecker Lab/Clinical Genomics Section, National Institutes of Health
Classification: Likely benign. Last evaluated: 2013-06-24. Review status: criteria provided, single submitter. Criteria: Ng et al. (Circ Cardiovasc Genet. 2013). Collection method: research. Allele origin: unknown. Observed: 2 variant alleles. Study: ClinSeq.
Comment: The study set was not selected for affection status in relation to any cancer. Pathogenicity categories were based on literature curation. See Pubmed ID:23861362 for details.

Medical sequencing

Molecular Diagnostic Laboratory for Inherited Cardiovascular Disease, Montreal Heart Institute
Classification: Likely benign. Review status: criteria provided, single submitter. Criteria: ACMG Guidelines, 2015. Collection method: clinical testing. Allele origin: germline. Affected: yes.

PreventionGenetics, part of Exact Sciences
Classification: Likely benign for AKAP9-related condition. Last evaluated: 2019-05-02. Review status: no assertion criteria provided. Collection method: clinical testing. Allele origin: germline. Not counted in ClinVar's aggregate classification.
Comment: This variant is classified as likely benign based on ACMG/AMP sequence variant interpretation guidelines (Richards et al. 2015 PMID: 25741868, with internal and published modifications).

Literature cited by the submitters: PubMed 23861362 (cited by Ambry Genetics).